The following is an entry in ClinVar:

ClinVar aggregate classification (germline): Uncertain significance (1 of 4 stars; one submission).

Submission:

Labcorp Genetics (formerly Invitae), Labcorp
Classification: Uncertain significance. Last evaluated: 2024-09-03. Review status: criteria provided, single submitter. Criteria: Invitae Variant Classification Sherloc (09022015). Collection method: clinical testing. Allele origin: germline.
Comment: This sequence change replaces isoleucine, which is neutral and non-polar, with asparagine, which is neutral and polar, at codon 375 of the ANGPT1 protein (p.Ile375Asn). This variant is not present in population databases (gnomAD no frequency). This variant has not been reported in the literature in individuals affected with ANGPT1-related conditions. An algorithm developed to predict the effect of missense changes on protein structure and function (PolyPhen-2) suggests that this variant is likely to be disruptive. In summary, the available evidence is currently insufficient to determine the role of this variant in disease. Therefore, it has been classified as a Variant of Uncertain Significance.

NM_001146.5(ANGPT1):c.1124T>A (p.Ile375Asn)

Gene: ANGPT1 (angiopoietin 1; minus strand). Cytogenetic location: 8q23.1.
Variant type: single nucleotide variant.
Coding change: c.1124T>A on transcript NM_001146.5 (MANE Select); coding-DNA position 1124, T replaced by A.
Protein change: p.Ile375Asn; replaces isoleucine 375 with asparagine.
Molecular consequence: missense variant.
Genome position (GRCh38, 1-based): chr8:107,284,763, A>T on the plus strand (T>A on the coding strand, the complement: ANGPT1 is on the minus strand). VCF-style: chr8-107284763-A-T. GRCh37 (hg19) VCF-style: chr8-108296991-A-T.
Other names: c.1121T>A, p.Ile374Asn (NM_001199859.3); c.524T>A, p.Ile175Asn (NM_001314051.2); short protein forms I374N, I175N, I375N.
Identifiers: ClinVar variation 3663524 (VCV003663524.2).
Genomic context (GRCh38, chr8:107,284,763, plus strand): 5'-CCTATGTGGAATCTGTCATACTGTGAATAGGCTCGGTTCCCTTCCCAGTCCATTAACTCA[A>T]TTCTTAGCATGTACTGCCTCTGACTGGTAATGGCAAAAATAAACTCATTCCCCAGCCAAT-3'
Protein context (NP_001137.2, residues 365-385): ITSQRQYMLR[Ile375Asn]ELMDWEGNRA